The following is an entry in ClinVar:

ClinVar aggregate classification (germline): Uncertain significance (1 of 4 stars; one submission).

Allele frequency attached by ClinVar (database versions not stated): TOPMed below 0.00001; ExAC 0.00001; gnomAD exomes 0.00001 and 0.00002.
gnomAD v4.1: 28 of 1,614,064 alleles (0.0017%); highest among the groups gnomAD compares: East Asian, 0.0022%; no homozygotes.

Submission:

Labcorp Genetics (formerly Invitae), Labcorp
Classification: Uncertain significance. Last evaluated: 2022-06-04. Review status: criteria provided, single submitter. Criteria: Invitae Variant Classification Sherloc (09022015). Collection method: clinical testing. Allele origin: germline.
Comment: This sequence change replaces threonine, which is neutral and polar, with alanine, which is neutral and non-polar, at codon 323 of the PDSS1 protein (p.Thr323Ala). This variant is present in population databases (rs780896171, gnomAD 0.003%). This variant has not been reported in the literature in individuals affected with PDSS1-related conditions. ClinVar contains an entry for this variant (Variation ID: 1507017). Algorithms developed to predict the effect of missense changes on protein structure and function are either unavailable or do not agree on the potential impact of this missense change (SIFT: "Not Available"; PolyPhen-2: "Benign"; Align-GVGD: "Not Available"). In summary, the available evidence is currently insufficient to determine the role of this variant in disease. Therefore, it has been classified as a Variant of Uncertain Significance.

NM_014317.5(PDSS1):c.967A>G (p.Thr323Ala)

Gene: PDSS1 (decaprenyl diphosphate synthase subunit 1; plus strand). Cytogenetic location: 10p12.1.
Variant type: single nucleotide variant.
Coding change: c.967A>G on transcript NM_014317.5 (MANE Select); coding-DNA position 967, A replaced by G.
Protein change: p.Thr323Ala; replaces threonine 323 with alanine.
Molecular consequence: missense variant. On other transcripts: intron variant (1).
Genome position (GRCh38, 1-based): chr10:26,735,520, A>G. VCF-style: chr10-26735520-A-G. GRCh37 (hg19) VCF-style: chr10-27024449-A-G.
Other names: c.457A>G, p.Thr153Ala (NM_001321979.2); c.836-6977A>G (NM_001321978.2); short protein forms T153A, T323A.
Identifiers: ClinVar variation 1507017 (VCV001507017.8), dbSNP rs780896171, ClinGen allele CA5447084.